The following is an entry in ClinVar:

NM_020738.4(KIDINS220):c.3279A>T (p.Ser1093=)

Gene: KIDINS220 (kinase D interacting substrate 220; minus strand). Cytogenetic location: 2p25.1.
Variant type: single nucleotide variant.
Coding change: c.3279A>T on transcript NM_020738.4 (MANE Select); coding-DNA position 3279, A replaced by T.
Protein change: p.Ser1093=; no amino-acid change (serine 1093 retained).
Molecular consequence: synonymous variant. On other transcripts: non-coding transcript variant (2).
Genome position (GRCh38, 1-based): chr2:8,750,247, T>A on the plus strand (A>T on the coding strand, the complement: KIDINS220 is on the minus strand). VCF-style: chr2-8750247-T-A. GRCh37 (hg19) VCF-style: chr2-8890377-T-A.
Other names: c.3279A>T (NM_020738.2); c.3282A>T, p.Ser1094= (NM_001348729.2, NM_001348731.2, NM_001348734.2 and 2 more transcripts); c.3279A>T, p.Ser1093= (NM_001348732.2, NM_001348735.2, NM_001348738.2 and 3 more transcripts); c.3153A>T, p.Ser1051= (NM_001348736.2).
Identifiers: ClinVar variation 2989096 (VCV002989096.4), dbSNP rs373472346, ClinGen allele CA1519711.

ClinVar aggregate classification (germline): Likely benign. Review status: criteria provided, multiple submitters, no conflicts (2 of 4 stars). 2 submissions from 2 submitters: Likely benign (2). Last evaluated 2025-07-01.

Conditions:
KIDINS220-related disorder. Also called: KIDINS220-related condition.

Allele frequency attached by ClinVar (database versions not stated): gnomAD 0.00001; TOPMed 0.00001; gnomAD exomes 0.00002; ExAC 0.00005; ESP Exome Variant Server 0.00008.
gnomAD v4.1: 37 of 1,613,858 alleles (0.0023%); highest among the groups gnomAD compares: Non-Finnish European, 0.0031%; no homozygotes.

Submissions (2):

PreventionGenetics, part of Exact Sciences
Classification: Likely benign for KIDINS220-related condition. Last evaluated: 2025-07-01. Review status: criteria provided, single submitter. Criteria: ACMG Guidelines, 2015. Collection method: clinical testing. Allele origin: germline.
Comment: This variant is classified as likely benign based on ACMG/AMP sequence variant interpretation guidelines (Richards et al. 2015 PMID: 25741868, with internal and published modifications).

Labcorp Genetics (formerly Invitae), Labcorp
Classification: Likely benign. Last evaluated: 2025-01-01. Review status: criteria provided, single submitter. Criteria: Invitae Variant Classification Sherloc (09022015). Collection method: clinical testing. Allele origin: germline.